The following is an entry in ClinVar:

ClinVar aggregate classification (germline): Uncertain significance (1 of 4 stars; one submission).

Conditions:
Succinate-semialdehyde dehydrogenase deficiency (SSADHD). Also called: SSADH DEFICIENCY; Succinic Semialdehyde Dehydrogenase Deficiency; 4-HYDROXYBUTYRIC ACIDURIA; GABA METABOLIC DEFECT. Identifiers: Orphanet 22, MedGen C0268631, MONDO:0010083, OMIM 271980.

Submission:

Labcorp Genetics (formerly Invitae), Labcorp
Classification: Uncertain significance for Succinate-semialdehyde dehydrogenase deficiency. Last evaluated: 2021-09-01. Review status: criteria provided, single submitter. Criteria: Invitae Variant Classification Sherloc (09022015). Collection method: clinical testing. Allele origin: germline.
Comment: This sequence change replaces phenylalanine with valine at codon 374 of the ALDH5A1 protein (p.Phe374Val). The phenylalanine residue is moderately conserved and there is a small physicochemical difference between phenylalanine and valine. This variant is not present in population databases (ExAC no frequency). This variant has not been reported in the literature in individuals affected with ALDH5A1-related conditions. Algorithms developed to predict the effect of missense changes on protein structure and function (SIFT, PolyPhen-2, Align-GVGD) all suggest that this variant is likely to be tolerated. In summary, the available evidence is currently insufficient to determine the role of this variant in disease. Therefore, it has been classified as a Variant of Uncertain Significance.

NM_001080.3(ALDH5A1):c.1120T>G (p.Phe374Val)

Gene: ALDH5A1 (aldehyde dehydrogenase 5 family member A1; plus strand). Cytogenetic location: 6p22.3.
Variant type: single nucleotide variant.
Coding change: c.1120T>G on transcript NM_001080.3 (MANE Select); coding-DNA position 1120, T replaced by G.
Protein change: p.Phe374Val; replaces phenylalanine 374 with valine.
Molecular consequence: missense variant.
Genome position (GRCh38, 1-based): chr6:24,522,872, T>G. VCF-style: chr6-24522872-T-G. GRCh37 (hg19) VCF-style: chr6-24523100-T-G.
Other names: c.976T>G, p.Phe326Val (NM_001368954.1); c.1159T>G, p.Phe387Val (NM_170740.1); short protein forms F374V, F387V, F326V.
Identifiers: ClinVar variation 581552 (VCV000581552.6), dbSNP rs1561876817, ClinGen allele CA362976408.